The following is an entry in ClinVar:

NM_001129.5(AEBP1):c.20C>A (p.Ala7Glu)

Gene: AEBP1 (AE binding protein 1; plus strand). Cytogenetic location: 7p13.
Variant type: single nucleotide variant.
Coding change: c.20C>A on transcript NM_001129.5 (MANE Select); coding-DNA position 20, C replaced by A.
Protein change: p.Ala7Glu; replaces alanine 7 with glutamic acid.
Molecular consequence: missense variant.
Genome position (GRCh38, 1-based): chr7:44,104,685, C>A. VCF-style: chr7-44104685-C-A. GRCh37 (hg19) VCF-style: chr7-44144284-C-A.
Other names: p.Ala7Glu; short protein forms A7E.
Identifiers: ClinVar variation 1197858 (VCV001197858.13), dbSNP rs28362521, ClinGen allele CA4237400.
Genomic context (GRCh38, chr7:44,104,685, plus strand): 5'-CCCCCGCGCCCTCCCCGGAGCCCCCCGCGCGTGCCGCGGCCATGGCGGCCGTGCGCGGGG[C>A]GCCCCTGCTCAGCTGCCTCCTGGCGTTGCTGGCCCTGTGCCCTGGAGGGCGCCCGCAGAC-3'
Protein context (NP_001120.3, residues 1-17): MAAVRG[Ala7Glu]PLLSCLLALL

ClinVar aggregate classification (germline): Benign/Likely benign. Review status: criteria provided, multiple submitters, no conflicts (2 of 4 stars). 5 submissions from 5 submitters: Benign (2); Likely benign (3). Last evaluated 2026-02-04.

Allele frequency attached by ClinVar (database versions not stated): ESP Exome Variant Server 0.01585; gnomAD 0.01768 and 0.01854; 1000 Genomes Project 30x 0.01780; 1000 Genomes Project 0.01857; gnomAD exomes 0.02333 and 0.02718; ExAC 0.05988.

Submissions (5):

Labcorp Genetics (formerly Invitae), Labcorp
Classification: Benign. Last evaluated: 2026-02-04. Review status: criteria provided, single submitter. Criteria: Invitae Variant Classification Sherloc (09022015). Collection method: clinical testing. Allele origin: germline.

Women's Health and Genetics/Laboratory Corporation of America, LabCorp
Classification: Likely benign. Last evaluated: 2026-01-22. Review status: criteria provided, single submitter. Criteria: LabCorp Variant Classification Summary - May 2015. Collection method: clinical testing. Allele origin: germline.

Mayo Clinic Laboratories, Mayo Clinic
Classification: Benign. Last evaluated: 2023-01-25. Review status: criteria provided, single submitter. Criteria: ACMG Guidelines, 2015. Collection method: clinical testing. Allele origin: germline. Observed: 155 variant alleles.
Comment: BS1, BS2

GeneDx
Classification: Likely benign. Last evaluated: 2021-04-22. Review status: criteria provided, single submitter. Criteria: GeneDx Variant Classification Process June 2021. Collection method: clinical testing. Allele origin: germline. Affected: yes.

Breakthrough Genomics
Classification: Likely benign. Review status: criteria provided, single submitter. Criteria: ACMG Guidelines, 2015. Collection method: not provided. Allele origin: germline. Inheritance: Autosomal recessive inheritance. Affected: yes.